The following is an entry in ClinVar:

NM_000465.4(BARD1):c.1676_1677+2del

Gene: BARD1 (BRCA1 associated RING domain 1; minus strand). Cytogenetic location: 2q35.
Variant type: Deletion.
Coding change: c.1676_1677+2del on transcript NM_000465.4 (MANE Select); coding-DNA position 1676 through the canonical splice donor site of the intron after coding-DNA position 1677, 4 bases deleted (TAGT; older notation c.1676_1677+2delTAGT).
Molecular consequence: splice donor variant. On other transcripts: intron variant (1).
Genome position (GRCh38, 1-based): chr2:214,752,445-214,752,448, ACTA deleted on the plus strand (TAGT on the coding strand, the reverse complement: BARD1 is on the minus strand). VCF-style (leftmost placement, unchanged base first): chr2-214752444-TACTA-T. GRCh37 (hg19) VCF-style: chr2-215617168-TACTA-T.
Other names: c.266_267+2del (NM_001282548.2); c.1619_1620+2del (NM_001282543.2); c.323_324+2del (NM_001282545.2); c.365-21940_365-21937del (NM_001282549.2).
Identifiers: ClinVar variation 1777786 (VCV001777786.2), dbSNP rs2469377349, ClinGen allele CA2580065582.

ClinVar aggregate classification (germline): Likely pathogenic (1 of 4 stars; one submission).

Conditions:
Hereditary cancer-predisposing syndrome. Also called: Neoplastic Syndromes, Hereditary; Tumor predisposition; Hereditary Cancer Syndrome; Hereditary neoplastic syndrome. Identifiers: Orphanet 140162, MedGen C0027672, MeSH D009386, MONDO:0015356.

Submission:

Ambry Genetics
Classification: Likely pathogenic for Hereditary cancer-predisposing syndrome. Last evaluated: 2021-07-14. Review status: criteria provided, single submitter. Criteria: Ambry Variant Classification Scheme 2023. Collection method: clinical testing. Allele origin: germline.
Comment: The c.1676_1677+2delTAGT variant results from a deletion of TAGT nucleotides between positions 1676 and 1677+2 and involves the canonical splice donor site after coding exon 7 of the BARD1 gene. This variant is considered to be rare based on population cohorts in the Genome Aggregation Database (gnomAD). The canonical splice donor site is highly conserved in available vertebrate species. In silico splice site analysis predicts that this alteration will weaken the native splice donor site; however, the exact impact of this deletion on BARD1 splicing and function is currently unknown. Alterations that disrupt the canonical splice site are expected to cause aberrant splicing, resulting in an abnormal protein or a transcript that is subject to nonsense-mediated mRNA decay. As such, this alteration is classified as likely pathogenic.